The following is an entry in ClinVar:

ClinVar aggregate classification (germline): Uncertain significance. Review status: criteria provided, multiple submitters, no conflicts (2 of 4 stars). 3 submissions from 3 submitters: Uncertain significance (3). Last evaluated 2023-04-11.

Conditions:
Hereditary spastic paraplegia 47. Also called: CEREBRAL PALSY, SPASTIC QUADRIPLEGIC, 5; adaptor protein 4 (AP-4) deficiency syndrome; Spastic paraplegia 47, autosomal recessive. Identifiers: Orphanet 280763, MedGen C3279738, MONDO:0013551, OMIM 614066.
Inborn genetic diseases. Identifiers: MedGen C0950123, MeSH D030342.

Allele frequency attached by ClinVar (database versions not stated): ExAC 0.00001; gnomAD exomes 0.00002 and 0.00003; gnomAD 0.00003; TOPMed 0.00005; ESP Exome Variant Server 0.00008.
gnomAD v4.1: 41 of 1,614,022 alleles (0.0025%); highest among the groups gnomAD compares: African/African-American, 0.011%; no homozygotes.

Submissions (3):

Genome-Nilou Lab
Classification: Uncertain significance for Hereditary spastic paraplegia 47. Last evaluated: 2023-04-11. Review status: criteria provided, single submitter. Criteria: ACMG Guidelines, 2015. Collection method: clinical testing. Allele origin: germline. Affected: no.

Labcorp Genetics (formerly Invitae), Labcorp
Classification: Uncertain significance for Hereditary spastic paraplegia 47. Last evaluated: 2022-05-21. Review status: criteria provided, single submitter. Criteria: Invitae Variant Classification Sherloc (09022015). Collection method: clinical testing. Allele origin: germline.
Comment: This sequence change replaces proline, which is neutral and non-polar, with leucine, which is neutral and non-polar, at codon 548 of the AP4B1 protein (p.Pro548Leu). This variant is present in population databases (rs149723440, gnomAD 0.008%). This variant has not been reported in the literature in individuals affected with AP4B1-related conditions. ClinVar contains an entry for this variant (Variation ID: 408759). Algorithms developed to predict the effect of missense changes on protein structure and function (SIFT, PolyPhen-2, Align-GVGD) all suggest that this variant is likely to be tolerated. In summary, the available evidence is currently insufficient to determine the role of this variant in disease. Therefore, it has been classified as a Variant of Uncertain Significance.

Ambry Genetics
Classification: Uncertain significance for Inborn genetic diseases. Last evaluated: 2018-05-21. Review status: criteria provided, single submitter. Criteria: Ambry Variant Classification Scheme 2023. Collection method: clinical testing. Allele origin: germline.
Comment: The p.P548L variant (also known as c.1643C>T), located in coding exon 9 of the AP4B1 gene, results from a C to T substitution at nucleotide position 1643. The proline at codon 548 is replaced by leucine, an amino acid with similar properties. This amino acid position is poorly conserved in available vertebrate species. In addition, this alteration is predicted to be tolerated by in silico analysis. Since supporting evidence is limited at this time, the clinical significance of this alteration remains unclear.

NM_001253852.3(AP4B1):c.1643C>T (p.Pro548Leu)

Genes: AP4B1 (adaptor related protein complex 4 subunit beta 1; minus strand), AP4B1-AS1 (AP4B1 antisense RNA 1; plus strand). Cytogenetic location: 1p13.2.
Variant type: single nucleotide variant.
Coding change: c.1643C>T on transcript NM_001253852.3 (MANE Select); coding-DNA position 1643, C replaced by T.
Protein change: p.Pro548Leu; replaces proline 548 with leucine.
Molecular consequence: missense variant.
Genome position (GRCh38, 1-based): chr1:113,895,906, G>A on the plus strand (C>T on the coding strand, the complement: AP4B1 is on the minus strand). VCF-style: chr1-113895906-G-A. GRCh37 (hg19) VCF-style: chr1-114438528-G-A.
Other names: c.1346C>T, p.Pro449Leu (NM_001253853.3); c.1139C>T, p.Pro380Leu (NM_001308312.2); c.1643C>T, p.Pro548Leu (NM_006594.5); short protein forms P548L, P380L, P449L.
Identifiers: ClinVar variation 408759 (VCV000408759.5), dbSNP rs149723440, ClinGen allele CA1015744.